The following is an entry in ClinVar:

NM_002473.6(MYH9):c.2788C>G (p.Arg930Gly)

Genes: MYH9 (myosin heavy chain 9; minus strand), LOC126863137 (CDK7 strongly-dependent group 2 enhancer GRCh37_chr22:36696002-36697201; plus strand). Cytogenetic location: 22q12.3.
Variant type: single nucleotide variant.
Coding change: c.2788C>G on transcript NM_002473.6 (MANE Select); coding-DNA position 2788, C replaced by G.
Protein change: p.Arg930Gly; replaces arginine 930 with glycine.
Molecular consequence: missense variant.
Genome position (GRCh38, 1-based): chr22:36,300,901, G>C on the plus strand (C>G on the coding strand, the complement: MYH9 is on the minus strand). VCF-style: chr22-36300901-G-C. GRCh37 (hg19) VCF-style: chr22-36696947-G-C.
Other names: short protein forms R930G.
Identifiers: ClinVar variation 1691244 (VCV001691244.1), dbSNP rs2016866550, ClinGen allele CA411392884.

ClinVar aggregate classification (germline): Likely pathogenic (0 of 4 stars; one submission).

Conditions:
Macrothrombocytopenia. Identifiers: MedGen C2751260, HP:0040185.

Submission:

ISTH-SSC Genomics in Thrombosis and Hemostasis, KU Leuven, Center for Molecular and Vascular Biology
Classification: Likely pathogenic for Macrothrombocytopenia. Review status: no assertion criteria provided. Collection method: research. Allele origin: germline. Affected: yes.
Comment: Submitted to GoldVariant by Jose María Bastida from Hospital Universitario Salamanca - IBSAL, Spain